The following is an entry in ClinVar:

ClinVar aggregate classification (germline): Uncertain significance (1 of 4 stars; one submission).

Conditions:
Developmental delay, impaired speech, and behavioral abnormalities. Identifiers: MedGen C5561957, MONDO:0859178, OMIM 619475.

Allele frequency attached by ClinVar (database versions not stated): TOPMed below 0.00001; gnomAD 0.00001; gnomAD exomes 0.00001.
gnomAD v4.1: 7 of 1,613,658 alleles (0.00043%); highest among the groups gnomAD compares: Admixed American, 0.0017%; no homozygotes.

Submission:

3billion
Classification: Uncertain significance for Developmental delay, impaired speech, and behavioral abnormalities. Last evaluated: 2022-01-03. Review status: criteria provided, single submitter. Criteria: ACMG Guidelines, 2015. Collection method: clinical testing. Allele origin: germline. Affected: yes. Observed: 1 heterozygote.
Comment: The variant is not observed in the gnomAD v2.1.1 dataset (PM2_M). In silico tool predictions suggest damaging effect of the variant on gene or gene product (REVEL: 0.674, PP3_P). A missense variant is a common mechanism associated with Developmental delay (PP2_P). Therefore, this variant is classified as uncertain significance according to the recommendation of ACMG/AMP guideline.

NM_003128.3(SPTBN1):c.4751G>A (p.Arg1584His)

Gene: SPTBN1 (spectrin beta, non-erythrocytic 1; plus strand). Cytogenetic location: 2p16.2.
Variant type: single nucleotide variant.
Coding change: c.4751G>A on transcript NM_003128.3 (MANE Select); coding-DNA position 4751, G replaced by A.
Protein change: p.Arg1584His; replaces arginine 1584 with histidine.
Molecular consequence: missense variant.
Genome position (GRCh38, 1-based): chr2:54,646,360, G>A. VCF-style: chr2-54646360-G-A. GRCh37 (hg19) VCF-style: chr2-54873497-G-A.
Other names: c.4712G>A, p.Arg1571His (NM_178313.3); short protein forms R1571H, R1584H.
Identifiers: ClinVar variation 1333572 (VCV001333572.1), dbSNP rs1387314544, ClinGen allele CA346903378.